The following is an entry in ClinVar:

NM_001384732.1(CPLANE1):c.2571C>T (p.Ile857=)

Gene: CPLANE1 (ciliogenesis and planar polarity effector complex subunit 1; minus strand). Cytogenetic location: 5p13.2.
Variant type: single nucleotide variant.
Coding change: c.2571C>T on transcript NM_001384732.1 (MANE Select); coding-DNA position 2571, C replaced by T.
Protein change: p.Ile857=; no amino-acid change (isoleucine 857 retained).
Molecular consequence: synonymous variant.
Genome position (GRCh38, 1-based): chr5:37,224,263, G>A on the plus strand (C>T on the coding strand, the complement: CPLANE1 is on the minus strand). VCF-style: chr5-37224263-G-A. GRCh37 (hg19) VCF-style: chr5-37224365-G-A.
Other names: c.2571C>T, p.Ile857= (NM_023073.4).
Identifiers: ClinVar variation 2697205 (VCV002697205.25), dbSNP rs749918295, ClinGen allele CA3239031.
Genomic context (GRCh38, chr5:37,224,263, plus strand): 5'-AAAAGGAGTCCTGCTAATATTATGGCACATATTTTTTAACACTCTCTTACCTTTCTCTTC[G>A]ATTTCTTGTAGAGCTTTTTTCCACAGCTGAACAGACTTTTCATATGATCCTAATAAAAAA-3'
Protein context (NP_001371661.1, residues 847-867): VQLWKKALQE[Ile857=]EEKGGRRTYF

ClinVar aggregate classification (germline): Likely benign. Review status: criteria provided, multiple submitters, no conflicts (2 of 4 stars). 2 submissions from 2 submitters: Likely benign (2). Last evaluated 2024-07-01.

Allele frequency attached by ClinVar (database versions not stated): gnomAD 0.00001; TOPMed 0.00002; ExAC 0.00009.
gnomAD v4.1: 22 of 1,546,354 alleles (0.0014%); highest among the groups gnomAD compares: Middle Eastern, 0.017%; no homozygotes.

Submissions (2):

CeGaT Center for Human Genetics Tuebingen
Classification: Likely benign. Last evaluated: 2024-07-01. Review status: criteria provided, single submitter. Criteria: CeGaT Center For Human Genetics Tuebingen Variant Classification Criteria Version 2. Collection method: clinical testing. Allele origin: germline. Affected: yes. Observed: 2 variant alleles.
Comment: CPLANE1: BP4, BP7

Labcorp Genetics (formerly Invitae), Labcorp
Classification: Likely benign. Last evaluated: 2022-12-15. Review status: criteria provided, single submitter. Criteria: Invitae Variant Classification Sherloc (09022015). Collection method: clinical testing. Allele origin: germline.